The following is an entry in ClinVar:

NM_152384.3(BBS5):c.428G>A (p.Arg143Lys)

Gene: BBS5 (Bardet-Biedl syndrome 5; plus strand). Cytogenetic location: 2q31.1.
Variant type: single nucleotide variant.
Coding change: c.428G>A on transcript NM_152384.3 (MANE Select); coding-DNA position 428, G replaced by A.
Protein change: p.Arg143Lys; replaces arginine 143 with lysine.
Molecular consequence: missense variant.
Genome position (GRCh38, 1-based): chr2:169,492,915, G>A. VCF-style: chr2-169492915-G-A. GRCh37 (hg19) VCF-style: chr2-170349425-G-A.
Other names: c.428G>A (NM_152384.2); short protein forms R143K.
Identifiers: ClinVar variation 2075086 (VCV002075086.4), dbSNP rs754764547, ClinGen allele CA1956210.

ClinVar aggregate classification (germline): Uncertain significance. Review status: criteria provided, multiple submitters, no conflicts (2 of 4 stars). 3 submissions from 3 submitters: Uncertain significance (3). Last evaluated 2026-07-08.

Conditions:
Bardet-Biedl syndrome (BBS). Identifiers: Orphanet 110, MedGen C0752166, MONDO:0015229.
BBS5-related disorder. Also called: BBS5-related condition.
Bardet-Biedl syndrome 5 (BBS5). Identifiers: Orphanet 110, MedGen C3892039, MONDO:0014434, OMIM 615983.

Allele frequency attached by ClinVar (database versions not stated): gnomAD exomes below 0.00001; gnomAD 0.00001; TOPMed 0.00001; ExAC 0.00002.
gnomAD v4.1: 7 of 1,612,382 alleles (0.00043%); highest among the groups gnomAD compares: Admixed American, 0.0017%; no homozygotes.

Submissions (3):

PreventionGenetics, part of Exact Sciences
Classification: Uncertain significance for BBS5-related condition. Last evaluated: 2026-07-08. Review status: criteria provided, single submitter. Criteria: ACMG Guidelines, 2015. Collection method: clinical testing. Allele origin: germline.
Comment: The BBS5 c.428G>A variant is predicted to result in the amino acid substitution p.Arg143Lys. To our knowledge, this variant has not been reported in the literature. This variant is reported in 0.0058% of alleles in individuals of Latino descent in gnomAD. At this time, the clinical significance of this variant is uncertain due to the absence of conclusive functional and genetic evidence.

Fulgent Genetics
Classification: Uncertain significance for Bardet-Biedl syndrome 5. Last evaluated: 2024-05-14. Review status: criteria provided, single submitter. Criteria: ACMG Guidelines, 2015. Collection method: clinical testing. Allele origin: germline.

Labcorp Genetics (formerly Invitae), Labcorp
Classification: Uncertain significance for Bardet-Biedl syndrome. Last evaluated: 2023-07-03. Review status: criteria provided, single submitter. Criteria: Invitae Variant Classification Sherloc (09022015). Collection method: clinical testing. Allele origin: germline.
Comment: Algorithms developed to predict the effect of sequence changes on RNA splicing suggest that this variant may disrupt the consensus splice site. In summary, the available evidence is currently insufficient to determine the role of this variant in disease. Therefore, it has been classified as a Variant of Uncertain Significance. Advanced modeling of protein sequence and biophysical properties (such as structural, functional, and spatial information, amino acid conservation, physicochemical variation, residue mobility, and thermodynamic stability) performed at Invitae indicates that this missense variant is expected to disrupt BBS5 protein function. ClinVar contains an entry for this variant (Variation ID: 2075086). This variant has not been reported in the literature in individuals affected with BBS5-related conditions. This variant is present in population databases (rs754764547, gnomAD 0.006%). This sequence change replaces arginine, which is basic and polar, with lysine, which is basic and polar, at codon 143 of the BBS5 protein (p.Arg143Lys).